The following is an entry in ClinVar:

ClinVar aggregate classification (germline): Pathogenic (1 of 4 stars; one submission).

Conditions:
Aortic aneurysm, familial thoracic 7 (AAT7). Also called: AORTIC DISSECTION, FAMILIAL, WITH OR WITHOUT AORTIC ANEURYSM. Identifiers: MedGen C3151077, MONDO:0013418, OMIM 613780.

Submission:

Labcorp Genetics (formerly Invitae), Labcorp
Classification: Pathogenic for Aortic aneurysm, familial thoracic 7. Last evaluated: 2024-08-28. Review status: criteria provided, single submitter. Criteria: Invitae Variant Classification Sherloc (09022015). Collection method: clinical testing. Allele origin: germline.
Comment: This sequence change creates a premature translational stop signal (p.Ser1020*) in the MYLK gene. This variant occurs within the aortic-specific isoform of MYLK. Loss-of-function variants in the aortic-specific isoform of MYLK are known to be pathogenic for thoracic aortic dissections (PMID: 21055718). This variant is not present in population databases (gnomAD no frequency). This variant has not been reported in the literature in individuals affected with MYLK-related conditions. For these reasons, this variant has been classified as Pathogenic.

Literature cited by the submitters: PubMed 21055718.

NM_053025.4(MYLK):c.3059C>G (p.Ser1020Ter)

Gene: MYLK (myosin light chain kinase; minus strand). Cytogenetic location: 3q21.1.
Variant type: single nucleotide variant.
Coding change: c.3059C>G on transcript NM_053025.4 (MANE Select); coding-DNA position 3059, C replaced by G.
Protein change: p.Ser1020Ter; replaces serine 1020 with a stop codon.
Molecular consequence: nonsense.
Genome position (GRCh38, 1-based): chr3:123,700,409, G>C on the plus strand (C>G on the coding strand, the complement: MYLK is on the minus strand). VCF-style: chr3-123700409-G-C. GRCh37 (hg19) VCF-style: chr3-123419256-G-C.
Other names: c.2531C>G, p.Ser844Ter (NM_001321309.2); c.2852C>G, p.Ser951Ter (NM_053026.4, NM_053028.4); c.3059C>G, p.Ser1020Ter (NM_053027.4); short protein forms S1020*, S844*, S951*.
Identifiers: ClinVar variation 3663775 (VCV003663775.2).